The following is an entry in ClinVar:

NM_017565.4(FAM20A):c.127G>C (p.Gly43Arg)

Gene: FAM20A (FAM20A golgi associated secretory pathway pseudokinase; minus strand). Cytogenetic location: 17q24.2.
Variant type: single nucleotide variant.
Coding change: c.127G>C on transcript NM_017565.4 (MANE Select); coding-DNA position 127, G replaced by C.
Protein change: p.Gly43Arg; replaces glycine 43 with arginine.
Molecular consequence: missense variant. On other transcripts: 5 prime UTR variant (1).
Genome position (GRCh38, 1-based): chr17:68,600,540, C>G on the plus strand (G>C on the coding strand, the complement: FAM20A is on the minus strand). VCF-style: chr17-68600540-C-G. GRCh37 (hg19) VCF-style: chr17-66596681-C-G.
Other names: c.-514G>C (NM_001243746.2); short protein forms G43R.
Identifiers: ClinVar variation 2127374 (VCV002127374.4), dbSNP rs766536786, ClinGen allele CA400808104.

ClinVar aggregate classification (germline): Uncertain significance (1 of 4 stars; one submission).

Submission:

Labcorp Genetics (formerly Invitae), Labcorp
Classification: Uncertain significance. Last evaluated: 2022-04-17. Review status: criteria provided, single submitter. Criteria: Invitae Variant Classification Sherloc (09022015). Collection method: clinical testing. Allele origin: germline.
Comment: In summary, the available evidence is currently insufficient to determine the role of this variant in disease. Therefore, it has been classified as a Variant of Uncertain Significance. Algorithms developed to predict the effect of missense changes on protein structure and function (SIFT, PolyPhen-2, Align-GVGD) all suggest that this variant is likely to be tolerated. This variant has not been reported in the literature in individuals affected with FAM20A-related conditions. This variant is not present in population databases (gnomAD no frequency). This sequence change replaces glycine, which is neutral and non-polar, with arginine, which is basic and polar, at codon 43 of the FAM20A protein (p.Gly43Arg).